The following is an entry in ClinVar:

ClinVar aggregate classification (germline): Uncertain significance (1 of 4 stars; one submission).

Conditions:
Amyotrophic lateral sclerosis type 4 (ALS4). Also called: AMYOTROPHIC LATERAL SCLEROSIS 4, JUVENILE; NEURONOPATHY, DISTAL HEREDITARY MOTOR, WITH PYRAMIDAL FEATURES. Identifiers: Orphanet 357043, MedGen C1865409, MONDO:0011223, OMIM 602433.
Spinocerebellar ataxia, autosomal recessive, with axonal neuropathy 2 (SCAN2). Also called: Ataxia-ocular apraxia-2; Ataxia with Oculomotor Apraxia; ATAXIA-OCULOMOTOR APRAXIA 2; Ataxia with Oculomotor Apraxia Type 2. Identifiers: Orphanet 64753, MedGen C1853761, MONDO:0018996, OMIM 606002.

Submission:

Labcorp Genetics (formerly Invitae), Labcorp
Classification: Uncertain significance for Amyotrophic lateral sclerosis type 4; Spinocerebellar ataxia, autosomal recessive, with axonal neuropathy 2. Last evaluated: 2025-01-01. Review status: criteria provided, single submitter. Criteria: Invitae Variant Classification Sherloc (09022015). Collection method: clinical testing. Allele origin: germline.
Comment: This sequence change replaces glutamine, which is neutral and polar, with proline, which is neutral and non-polar, at codon 2108 of the SETX protein (p.Gln2108Pro). This variant is not present in population databases (gnomAD no frequency). This variant has not been reported in the literature in individuals affected with SETX-related conditions. ClinVar contains an entry for this variant (Variation ID: 2113680). An algorithm developed to predict the effect of missense changes on protein structure and function (PolyPhen-2) suggests that this variant is likely to be disruptive. Algorithms developed to predict the effect of sequence changes on RNA splicing suggest that this variant may disrupt the consensus splice site. In summary, the available evidence is currently insufficient to determine the role of this variant in disease. Therefore, it has been classified as a Variant of Uncertain Significance.

NM_015046.7(SETX):c.6323A>C (p.Gln2108Pro)

Gene: SETX (senataxin; minus strand). Cytogenetic location: 9q34.13.
Variant type: single nucleotide variant.
Coding change: c.6323A>C on transcript NM_015046.7 (MANE Select); coding-DNA position 6323, A replaced by C.
Protein change: p.Gln2108Pro; replaces glutamine 2108 with proline.
Molecular consequence: missense variant.
Genome position (GRCh38, 1-based): chr9:132,288,237, T>G on the plus strand (A>C on the coding strand, the complement: SETX is on the minus strand). VCF-style: chr9-132288237-T-G. GRCh37 (hg19) VCF-style: chr9-135163624-T-G.
Other names: c.6323A>C, p.Gln2108Pro (NM_001351527.2, NM_001351528.2); short protein forms Q2108P.
Identifiers: ClinVar variation 2113680 (VCV002113680.4), dbSNP rs768736392, ClinGen allele CA375337379.